The following is an entry in ClinVar:

NM_152732.5(RSPH9):c.406G>C (p.Glu136Gln)

Gene: RSPH9 (radial spoke head component 9; plus strand). Cytogenetic location: 6p21.1.
Variant type: single nucleotide variant.
Coding change: c.406G>C on transcript NM_152732.5 (MANE Select); coding-DNA position 406, G replaced by C.
Protein change: p.Glu136Gln; replaces glutamic acid 136 with glutamine.
Molecular consequence: missense variant. On other transcripts: intron variant (1).
Genome position (GRCh38, 1-based): chr6:43,655,574, G>C. VCF-style: chr6-43655574-G-C. GRCh37 (hg19) VCF-style: chr6-43623311-G-C.
Other names: c.394-33G>C (NM_001193341.2); short protein forms E136Q.
Identifiers: ClinVar variation 1005619 (VCV001005619.9), dbSNP rs1771919718, ClinGen allele CA364289047.
Genomic context (GRCh38, chr6:43,655,574, plus strand): 5'-GCCTGGGCACAGTGCCCTGGCAGGGGGGCTCCTCTCCTGTCTCCTCAGGTCCAGATCAAG[G>C]AAGAGACCCGCTTGGTGTCTGTCATTGACCAGATTGACAAGGCTGTGGCCATCATCCCCC-3'
Protein context (NP_689945.2, residues 126-146): FEEEIVVQIK[Glu136Gln]ETRLVSVIDQ

ClinVar aggregate classification (germline): Uncertain significance (1 of 4 stars; one submission).

Conditions:
Primary ciliary dyskinesia. Also called: Ciliary dyskinesia. Identifiers: Orphanet 244, MedGen C0008780, MONDO:0016575, HP:0012265.

Allele frequency attached by ClinVar (database versions not stated): gnomAD exomes below 0.00001.
gnomAD v4.1: 1 of 1,614,168 alleles (0.000062%); highest among the groups gnomAD compares: Non-Finnish European, 0.000085%; no homozygotes.

Submission:

Labcorp Genetics (formerly Invitae), Labcorp
Classification: Uncertain significance for Primary ciliary dyskinesia. Last evaluated: 2020-09-11. Review status: criteria provided, single submitter. Criteria: Invitae Variant Classification Sherloc (09022015). Collection method: clinical testing. Allele origin: germline.
Comment: This variant is not present in population databases (ExAC no frequency). This sequence change replaces glutamic acid with glutamine at codon 136 of the RSPH9 protein (p.Glu136Gln). The glutamic acid residue is moderately conserved and there is a small physicochemical difference between glutamic acid and glutamine. This variant has not been reported in the literature in individuals with RSPH9-related conditions. In summary, the available evidence is currently insufficient to determine the role of this variant in disease. Therefore, it has been classified as a Variant of Uncertain Significance. Algorithms developed to predict the effect of missense changes on protein structure and function are either unavailable or do not agree on the potential impact of this missense change (SIFT: "Deleterious"; PolyPhen-2: "Probably Damaging"; Align-GVGD: "Class C0").